The following is an entry in ClinVar:

ClinVar aggregate classification (germline): Uncertain significance. Review status: criteria provided, multiple submitters, no conflicts (2 of 4 stars). 4 submissions from 4 submitters: Uncertain significance (3). 1 of the submissions does not count toward it. Last evaluated 2025-01-27.

Conditions:
Usher syndrome type 1 (USH1). Also called: RETINITIS PIGMENTOSA AND CONGENITAL DEAFNESS. Identifiers: Orphanet 231169, Orphanet 886, MedGen C1568247, MONDO:0010168, OMIM 276900.
Inborn genetic diseases. Identifiers: MedGen C0950123, MeSH D030342.

Allele frequency attached by ClinVar (database versions not stated): gnomAD exomes 0.00002 and 0.00006; gnomAD 0.00002; TOPMed 0.00003.
gnomAD v4.1: 90 of 1,613,746 alleles (0.0056%); highest among the groups gnomAD compares: Non-Finnish European, 0.007%; no homozygotes.

Submissions (4):

Ambry Genetics
Classification: Uncertain significance for Inborn genetic diseases. Last evaluated: 2025-01-27. Review status: criteria provided, single submitter. Criteria: Ambry Variant Classification Scheme 2023. Collection method: clinical testing. Allele origin: germline.

Labcorp Genetics (formerly Invitae), Labcorp
Classification: Uncertain significance. Last evaluated: 2022-08-23. Review status: criteria provided, single submitter. Criteria: Invitae Variant Classification Sherloc (09022015). Collection method: clinical testing. Allele origin: germline.
Comment: This sequence change replaces asparagine, which is neutral and polar, with serine, which is neutral and polar, at codon 2065 of the CDH23 protein (p.Asn2065Ser). This variant is present in population databases (rs765490119, gnomAD 0.004%). This variant has not been reported in the literature in individuals affected with CDH23-related conditions. ClinVar contains an entry for this variant (Variation ID: 847946). Algorithms developed to predict the effect of missense changes on protein structure and function are either unavailable or do not agree on the potential impact of this missense change (SIFT: "Deleterious"; PolyPhen-2: "Not Available"; Align-GVGD: "Class C45"). In summary, the available evidence is currently insufficient to determine the role of this variant in disease. Therefore, it has been classified as a Variant of Uncertain Significance.

GeneDx
Classification: Uncertain significance. Last evaluated: 2021-09-10. Review status: criteria provided, single submitter. Criteria: GeneDx Variant Classification Process June 2021. Collection method: clinical testing. Allele origin: germline. Affected: yes.
Comment: Not observed at significant frequency in large population cohorts (Lek et al., 2016); In silico analysis supports that this missense variant has a deleterious effect on protein structure/function; Has not been previously published as pathogenic or benign to our knowledge

Natera, Inc.
Classification: Uncertain significance for Usher syndrome type 1. Last evaluated: 2020-02-26. Review status: no assertion criteria provided. Collection method: clinical testing. Allele origin: germline. Not counted in ClinVar's aggregate classification.

NM_022124.6(CDH23):c.6194A>G (p.Asn2065Ser)

Gene: CDH23 (cadherin related 23; plus strand). Cytogenetic location: 10q22.1.
Variant type: single nucleotide variant.
Coding change: c.6194A>G on transcript NM_022124.6 (MANE Select); coding-DNA position 6194, A replaced by G.
Protein change: p.Asn2065Ser; replaces asparagine 2065 with serine.
Molecular consequence: missense variant.
Genome position (GRCh38, 1-based): chr10:71,791,276, A>G. VCF-style: chr10-71791276-A-G. GRCh37 (hg19) VCF-style: chr10-73551033-A-G.
Other names: short protein forms N2065S.
Identifiers: ClinVar variation 847946 (VCV000847946.6), dbSNP rs765490119, ClinGen allele CA209464803.